The following is an entry in ClinVar:

ClinVar aggregate classification (germline): Pathogenic. Review status: criteria provided, multiple submitters, no conflicts (2 of 4 stars). 4 submissions from 4 submitters: Pathogenic (3). 1 of the submissions does not count toward it. Last evaluated 2025-10-17.

Conditions:
Cardiovascular phenotype. Identifiers: MedGen CN230736.
ACVRL1-related disorder. Also called: ACVRL1-related condition; ACVRL1-related disorders.
Telangiectasia, hereditary hemorrhagic, type 2 (HHT2). Also called: ACVRL1-Related Hereditary Hemorrhagic Telangiectasia; Telangiectasia, hereditary hemorrhagic, type II. Identifiers: Orphanet 774, MedGen C1838163, MONDO:0010880, OMIM 600376. Disease mechanism: loss of function.

Submissions (4):

GeneDx
Classification: Pathogenic. Last evaluated: 2025-10-17. Review status: criteria provided, single submitter. Criteria: GeneDx Variant Classification Process June 2021. Collection method: clinical testing. Allele origin: germline. Affected: yes.
Comment: Identified in individuals with HHT referred for genetic testing at GeneDx and in published literature; these individuals also harbor a second ACVRL1 variant, c.1049-1 G>A, though it is unknown if they are present on the same allele or opposite alleles (PMID: 20414677); Not observed at significant frequency in large population cohorts (gnomAD); Truncating variants in this gene are considered pathogenic by a well-established clinical consortium and/or database; Nonsense variant predicted to result in protein truncation or nonsense mediated decay in a gene for which loss of function is a known mechanism of disease; This variant is associated with the following publications: (PMID: 20414677)

Labcorp Genetics (formerly Invitae), Labcorp
Classification: Pathogenic for Telangiectasia, hereditary hemorrhagic, type 2. Last evaluated: 2025-04-10. Review status: criteria provided, single submitter. Criteria: Invitae Variant Classification Sherloc (09022015). Collection method: clinical testing. Allele origin: germline.
Comment: This sequence change creates a premature translational stop signal (p.Glu281*) in the ACVRL1 gene. It is expected to result in an absent or disrupted protein product. Loss-of-function variants in ACVRL1 are known to be pathogenic (PMID: 15879500). This variant is not present in population databases (gnomAD no frequency). This premature translational stop signal has been observed in individual(s) with hereditary hemorrhagic telangiectasia (PMID: 20414677; internal data database, internal datadatabase). ClinVar contains an entry for this variant (Variation ID: 411307). For these reasons, this variant has been classified as Pathogenic.

Ambry Genetics
Classification: Pathogenic for Cardiovascular phenotype. Last evaluated: 2024-09-04. Review status: criteria provided, single submitter. Criteria: Ambry Variant Classification Scheme 2023. Collection method: clinical testing. Allele origin: germline.
Comment: The p.E281* pathogenic mutation (also known as c.841G>T), located in coding exon 6 of the ACVRL1 gene, results from a G to T substitution at nucleotide position 841. This changes the amino acid from a glutamic acid to a stop codon within coding exon 6. This variant co-occurred with ACVRL1 c.1049-1G>A in an individual with hereditary hemorrhagic telangiectasia (Richards-Yutz J et al. Hum Genet, 2010 Jul;128:61-77). This variant is considered to be rare based on population cohorts in the Genome Aggregation Database (gnomAD). This alteration is expected to result in loss of function by premature protein truncation or nonsense-mediated mRNA decay. As such, this alteration is interpreted as a disease-causing mutation.

PreventionGenetics, part of Exact Sciences
Classification: Pathogenic for ACVRL1-related condition. Last evaluated: 2024-05-02. Review status: no assertion criteria provided. Collection method: clinical testing. Allele origin: germline. Not counted in ClinVar's aggregate classification.
Comment: The ACVRL1 c.841G>T variant is predicted to result in premature protein termination (p.Glu281*). This variant, along with the ACVRL1 c.1049-1G>A variant, was reported in an individual with hereditary hemorrhagic telangiectasia (Richards-Yutz et al. 2010. PubMed ID: 20414677). It was suggested that the c.841G>T and c.1049-1G>A variants were likely on the same allele; however, no additional studies were conducted to determine phase. This variant has not been reported in a large population database, indicating this variant is rare. Nonsense variants in ACVRL1 are expected to be pathogenic. This variant is interpreted as pathogenic.

Literature cited by the submitters: PubMed 15879500 (cited by Labcorp Genetics (formerly Invitae), Labcorp); PubMed 20414677 (cited by Labcorp Genetics (formerly Invitae), Labcorp and Ambry Genetics).

NM_000020.3(ACVRL1):c.841G>T (p.Glu281Ter)

Gene: ACVRL1 (activin A receptor like type 1; plus strand). Cytogenetic location: 12q13.13.
Variant type: single nucleotide variant.
Coding change: c.841G>T on transcript NM_000020.3 (MANE Select); coding-DNA position 841, G replaced by T.
Protein change: p.Glu281Ter; replaces glutamic acid 281 with a stop codon.
Molecular consequence: nonsense.
Genome position (GRCh38, 1-based): chr12:51,915,293, G>T. VCF-style: chr12-51915293-G-T. GRCh37 (hg19) VCF-style: chr12-52309077-G-T.
Other names: c.841G>T, p.Glu281Ter (NM_001077401.2); short protein forms E281*.
Identifiers: ClinVar variation 411307 (VCV000411307.12), dbSNP rs779485996, ClinGen allele CA16613819.